The following is an entry in ClinVar:

ClinVar aggregate classification (germline): Uncertain significance. Review status: criteria provided, multiple submitters, no conflicts (2 of 4 stars). 3 submissions from 3 submitters: Uncertain significance (3). Last evaluated 2024-04-19.

Conditions:
Autosomal dominant nonsyndromic hearing loss 6 (LFSNHL). Also called: DEAFNESS, AUTOSOMAL DOMINANT 6; DEAFNESS, AUTOSOMAL DOMINANT 14; DEAFNESS, AUTOSOMAL DOMINANT 38; Autosomal dominant nonsyndromic deafness 6. Identifiers: Orphanet 90635, MedGen C1833021, MONDO:0010963, OMIM 600965.
Type 2 diabetes mellitus. Also called: Type II diabetes mellitus. Identifiers: MedGen C0011860, MeSH D003924, MONDO:0005148, OMIM 125853, HP:0005978.
Wolfram syndrome 1 (WFS1). Identifiers: Orphanet 3463, MedGen C4551693, MONDO:0009101, OMIM 222300.
Cataract 41 (CTRCT41). Also called: CATARACT 41, CONGENITAL NUCLEAR TYPE. Identifiers: Orphanet 91492, Orphanet 98991, Orphanet 98992, Orphanet 98995, MedGen C3805412, MONDO:0007287, OMIM 116400.
Wolfram-like syndrome. Also called: HEARING LOSS, PROGRESSIVE, WITH OPTIC ATROPHY AND/OR IMPAIRED GLUCOSE REGULATION. Identifiers: Orphanet 411590, MedGen C3280358, MONDO:0013673, OMIM 614296.

Allele frequency attached by ClinVar (database versions not stated): gnomAD exomes below 0.00001; ExAC 0.00001; gnomAD 0.00001 and 0.00002; TOPMed 0.00002; ESP Exome Variant Server 0.00008.
gnomAD v4.1: 7 of 1,613,972 alleles (0.00043%); highest among the groups gnomAD compares: African/African-American, 0.0027%; no homozygotes.

Submissions (3):

Fulgent Genetics
Classification: Uncertain significance for Cataract 41; Type 2 diabetes mellitus; Wolfram syndrome 1; Autosomal dominant nonsyndromic hearing loss 6; Wolfram-like syndrome. Last evaluated: 2024-04-19. Review status: criteria provided, single submitter. Criteria: ACMG Guidelines, 2015. Collection method: clinical testing. Allele origin: germline.

Labcorp Genetics (formerly Invitae), Labcorp
Classification: Uncertain significance. Last evaluated: 2022-11-16. Review status: criteria provided, single submitter. Criteria: Invitae Variant Classification Sherloc (09022015). Collection method: clinical testing. Allele origin: germline.
Comment: ClinVar contains an entry for this variant (Variation ID: 1382930). This variant has not been reported in the literature in individuals affected with WFS1-related conditions. This variant is present in population databases (rs140213376, gnomAD 0.007%). This sequence change replaces lysine, which is basic and polar, with glutamine, which is neutral and polar, at codon 634 of the WFS1 protein (p.Lys634Gln). Advanced modeling of protein sequence and biophysical properties (such as structural, functional, and spatial information, amino acid conservation, physicochemical variation, residue mobility, and thermodynamic stability) has been performed at Invitae for this missense variant, however the output from this modeling did not meet the statistical confidence thresholds required to predict the impact of this variant on WFS1 protein function. This variant disrupts the p.Lys634 amino acid residue in WFS1. Other variant(s) that disrupt this residue have been determined to be pathogenic (PMID: 12181639). This suggests that this residue is clinically significant, and that variants that disrupt this residue are likely to be disease-causing. In summary, the available evidence is currently insufficient to determine the role of this variant in disease. Therefore, it has been classified as a Variant of Uncertain Significance.

Blueprint Genetics
Classification: Uncertain significance. Last evaluated: 2022-08-18. Review status: criteria provided, single submitter. Criteria: ACMG Guidelines, 2015. Collection method: clinical testing. Allele origin: germline.

Literature cited by the submitters: PubMed 12181639 (cited by Labcorp Genetics (formerly Invitae), Labcorp).

NM_006005.3(WFS1):c.1900A>C (p.Lys634Gln)

Gene: WFS1 (wolframin ER transmembrane glycoprotein; plus strand). Cytogenetic location: 4p16.1.
Variant type: single nucleotide variant.
Coding change: c.1900A>C on transcript NM_006005.3 (MANE Select); coding-DNA position 1900, A replaced by C.
Protein change: p.Lys634Gln; replaces lysine 634 with glutamine.
Molecular consequence: missense variant.
Genome position (GRCh38, 1-based): chr4:6,301,695, A>C. VCF-style: chr4-6301695-A-C. GRCh37 (hg19) VCF-style: chr4-6303422-A-C.
Other names: c.1900A>C, p.Lys634Gln (NM_001145853.1); short protein forms K634Q.
Identifiers: ClinVar variation 1382930 (VCV001382930.10), dbSNP rs140213376, ClinGen allele CA2839538.